The following is an entry in ClinVar:

ClinVar aggregate classification (germline): Uncertain significance. Review status: criteria provided, multiple submitters, no conflicts (2 of 4 stars). 2 submissions from 2 submitters: Uncertain significance (2). Last evaluated 2025-05-28.

Conditions:
Inborn genetic diseases. Identifiers: MedGen C0950123, MeSH D030342.
Charcot-Marie-Tooth disease dominant intermediate C (CMTDIC). Also called: CHARCOT-MARIE-TOOTH NEUROPATHY, DOMINANT INTERMEDIATE C. Identifiers: Orphanet 100045, MedGen C1842237, MONDO:0012012, OMIM 608323.

Allele frequency attached by ClinVar (database versions not stated): gnomAD exomes below 0.00001; TOPMed below 0.00001.
gnomAD v4.1: 1 of 1,613,912 alleles (0.000062%); highest among the groups gnomAD compares: Middle Eastern, 0.016%; no homozygotes.

Submissions (2):

Ambry Genetics
Classification: Uncertain significance for Inborn genetic diseases. Last evaluated: 2025-05-28. Review status: criteria provided, single submitter. Criteria: Ambry Variant Classification Scheme 2023. Collection method: clinical testing. Allele origin: germline.

Labcorp Genetics (formerly Invitae), Labcorp
Classification: Uncertain significance for Charcot-Marie-Tooth disease dominant intermediate C. Last evaluated: 2022-07-14. Review status: criteria provided, single submitter. Criteria: Invitae Variant Classification Sherloc (09022015). Collection method: clinical testing. Allele origin: germline.
Comment: In summary, the available evidence is currently insufficient to determine the role of this variant in disease. Therefore, it has been classified as a Variant of Uncertain Significance. Algorithms developed to predict the effect of missense changes on protein structure and function are either unavailable or do not agree on the potential impact of this missense change (SIFT: "Not Available"; PolyPhen-2: "Benign"; Align-GVGD: "Not Available"). This variant has not been reported in the literature in individuals affected with YARS-related conditions. This variant is not present in population databases (gnomAD no frequency). This sequence change replaces aspartic acid, which is acidic and polar, with glycine, which is neutral and non-polar, at codon 280 of the YARS protein (p.Asp280Gly).

NM_003680.4(YARS1):c.839A>G (p.Asp280Gly)

Genes: YARS1 (tyrosyl-tRNA synthetase 1; minus strand), LOC126805688 (BRD4-independent group 4 enhancer GRCh37_chr1:33251929-33253128; plus strand). Cytogenetic location: 1p35.1.
Variant type: single nucleotide variant.
Coding change: c.839A>G on transcript NM_003680.4 (MANE Select); coding-DNA position 839, A replaced by G.
Protein change: p.Asp280Gly; replaces aspartic acid 280 with glycine.
Molecular consequence: missense variant.
Genome position (GRCh38, 1-based): chr1:32,786,429, T>C on the plus strand (A>G on the coding strand, the complement: YARS1 is on the minus strand). VCF-style: chr1-32786429-T-C. GRCh37 (hg19) VCF-style: chr1-33252030-T-C.
Other names: short protein forms D280G.
Identifiers: ClinVar variation 1979405 (VCV001979405.5), dbSNP rs1653230455, ClinGen allele CA339684441.